The following is an entry in ClinVar:

ClinVar aggregate classification (germline): Pathogenic/Likely pathogenic. Review status: criteria provided, multiple submitters, no conflicts (2 of 4 stars). 4 submissions from 4 submitters: Pathogenic (3); Likely pathogenic (1). Last evaluated 2024-10-16.

Conditions:
Hereditary cancer-predisposing syndrome. Also called: Neoplastic Syndromes, Hereditary; Hereditary Cancer Syndrome; Hereditary neoplastic syndrome; Tumor predisposition. Identifiers: Orphanet 140162, MedGen C0027672, MeSH D009386, MONDO:0015356.
Familial cancer of breast. Also called: Hereditary breast cancer; hereditary breast carcinoma; BREAST CANCER, FAMILIAL. Identifiers: Orphanet 227535, MedGen C0346153, MONDO:0016419, OMIM 114480. Disease mechanism: loss of function.
Ataxia-telangiectasia syndrome (AT). Also called: Cerebello-oculocutaneous telangiectasia; Immunodeficiency with ataxia telangiectasia; Ataxia-telangiectasia, complementation group D; AT, COMPLEMENTATION GROUP C; ATAXIA-TELANGIECTASIA, FRESNO VARIANT; ATAXIA-TELANGIECTASIA, COMPLEMENTATION GROUP A. Identifiers: Orphanet 100, MedGen C0004135, MONDO:0008840, OMIM 208900.

Allele frequency attached by ClinVar (database versions not stated): gnomAD exomes below 0.00001.
gnomAD v4.1: 1 of 1,613,938 alleles (0.000062%); highest among the groups gnomAD compares: Non-Finnish European, 0.000085%; no homozygotes.

Submissions (4):

Myriad Genetics, Inc.
Classification: Likely pathogenic for Familial cancer of breast. Last evaluated: 2024-10-16. Review status: criteria provided, single submitter. Criteria: Myriad Autosomal Dominant, Autosomal Recessive and X-Linked Classification Criteria (2023). Collection method: clinical testing. Allele origin: unknown.
Comment: This variant is considered likely pathogenic. This variant creates a termination codon and is predicted to result in premature protein truncation.

Labcorp Genetics (formerly Invitae), Labcorp
Classification: Pathogenic for Ataxia-telangiectasia syndrome. Last evaluated: 2023-12-23. Review status: criteria provided, single submitter. Criteria: Invitae Variant Classification Sherloc (09022015). Collection method: clinical testing. Allele origin: germline.
Comment: This sequence change creates a premature translational stop signal (p.Trp1026*) in the ATM gene. RNA analysis indicates that this premature translational stop signal induces altered splicing and may result in an absent or disrupted protein product. This variant is not present in population databases (gnomAD no frequency). This variant has not been reported in the literature in individuals affected with ATM-related conditions. ClinVar contains an entry for this variant (Variation ID: 141909). Studies have shown that this premature translational stop signal results in activation of a cryptic splice site and introduces a premature termination codon (Invitae). The resulting mRNA is expected to undergo nonsense-mediated decay. For these reasons, this variant has been classified as Pathogenic.

Baylor Genetics
Classification: Pathogenic for Familial cancer of breast. Last evaluated: 2023-04-05. Review status: criteria provided, single submitter. Criteria: ACMG Guidelines, 2015. Collection method: clinical testing. Allele origin: unknown.

Ambry Genetics
Classification: Pathogenic for Hereditary cancer-predisposing syndrome. Last evaluated: 2015-06-18. Review status: criteria provided, single submitter. Criteria: Ambry Variant Classification Scheme 2023. Collection method: clinical testing. Allele origin: germline.
Comment: The p.W1026* pathogenic mutation (also known as c.3077G>A), located in coding exon 19 of the ATM gene, results from a G to A substitution at nucleotide position 3077. This changes the amino acid from a tryptophan to a stop codon within coding exon 19. Since premature stop codons are typically deleterious in nature, this alteration is interpreted as a disease-causing mutation (ACMG Recommendations for Standards for Interpretation and Reporting of Sequence Variations. Revision 2007. Genet Med. 2008;10:294).

NM_000051.4(ATM):c.3077G>A (p.Trp1026Ter)

Gene: ATM (ATM serine/threonine kinase; plus strand). Cytogenetic location: 11q22.3.
Variant type: single nucleotide variant.
Coding change: c.3077G>A on transcript NM_000051.4 (MANE Select); coding-DNA position 3077, G replaced by A.
Protein change: p.Trp1026Ter; replaces tryptophan 1026 with a stop codon.
Molecular consequence: nonsense.
Genome position (GRCh38, 1-based): chr11:108,271,406, G>A. VCF-style: chr11-108271406-G-A. GRCh37 (hg19) VCF-style: chr11-108142133-G-A.
Other names: c.3077G>A, p.Trp1026Ter (NM_001351834.2); short protein forms W1026*.
Identifiers: ClinVar variation 141909 (VCV000141909.14), dbSNP rs587782103, ClinGen allele CA166759.